The following is an entry in ClinVar:

ClinVar aggregate classification (germline): Pathogenic (1 of 4 stars; one submission).

Conditions:
Primary ciliary dyskinesia. Also called: Ciliary dyskinesia. Identifiers: Orphanet 244, MedGen C0008780, MONDO:0016575, HP:0012265.

Submission:

Labcorp Genetics (formerly Invitae), Labcorp
Classification: Pathogenic for Primary ciliary dyskinesia. Last evaluated: 2025-06-12. Review status: criteria provided, single submitter. Criteria: Invitae Variant Classification Sherloc (09022015). Collection method: clinical testing. Allele origin: germline.
Comment: This sequence change creates a premature translational stop signal (p.Gln88Argfs*46) in the CCNO gene. It is expected to result in an absent or disrupted protein product. Loss-of-function variants in CCNO are known to be pathogenic (PMID: 24747639). This variant is not present in population databases (gnomAD no frequency). This variant has not been reported in the literature in individuals affected with CCNO-related conditions. For these reasons, this variant has been classified as Pathogenic.

Literature cited by the submitters: PubMed 24747639.

NM_021147.5(CCNO):c.258_262del (p.Gln88fs)

Genes: CCNO (cyclin O; minus strand), LOC129993895 (ATAC-STARR-seq lymphoblastoid silent region 16013; plus strand). Cytogenetic location: 5q11.2.
Variant type: Microsatellite.
Coding change: c.258_262del on transcript NM_021147.5 (MANE Select); coding-DNA positions 258 to 262, 5 bases deleted (GGCCC; older notation c.258_262delGGCCC).
Protein change: p.Gln88fs; shifts the reading frame from glutamine 88.
Molecular consequence: frameshift variant. On other transcripts: non-coding transcript variant (2).
Genome position (GRCh38, 1-based): chr5:55,233,262-55,233,266, GGGCC deleted on the plus strand (GGCCC on the coding strand, the reverse complement: CCNO is on the minus strand); deleting any 5 consecutive bases within chr5:55,233,262-55,233,275 gives the same sequence; the c. name uses the placement nearest the transcript's 3' end. VCF-style (leftmost placement, unchanged base first): chr5-55233261-TGGGCC-T. GRCh37 (hg19) VCF-style: chr5-54529089-TGGGCC-T.
Other names: short protein forms Q88fs.
Identifiers: ClinVar variation 4697405 (VCV004697405.1).